The following is an entry in ClinVar:

ClinVar aggregate classification (germline): Likely benign. Review status: criteria provided, multiple submitters, no conflicts (2 of 4 stars). 2 submissions from 2 submitters: Likely benign (2). Last evaluated 2018-06-16.

Allele frequency attached by ClinVar (database versions not stated): gnomAD exomes 0.00052 and 0.00122; ExAC 0.00213; 1000 Genomes Project 30x 0.00453; gnomAD 0.00462 and 0.00491; 1000 Genomes Project 0.00479; TOPMed 0.00542; ESP Exome Variant Server 0.00561.
gnomAD v4.1: 1,468 of 1,509,042 alleles (0.097%); highest among the groups gnomAD compares: African/African-American, 1.7%; 14 homozygotes.

Submissions (2):

GeneDx
Classification: Likely benign. Last evaluated: 2018-06-16. Review status: criteria provided, single submitter. Criteria: GeneDx Variant Classification (06012015). Collection method: clinical testing. Allele origin: germline. Affected: yes.
Comment: This variant is considered likely benign or benign based on one or more of the following criteria: it is a conservative change, it occurs at a poorly conserved position in the protein, it is predicted to be benign by multiple in silico algorithms, and/or has population frequency not consistent with disease.

Breakthrough Genomics
Classification: Likely benign. Review status: criteria provided, single submitter. Criteria: ACMG Guidelines, 2015. Collection method: not provided. Allele origin: germline. Inheritance: Autosomal dominant inheritance. Affected: yes.

NM_006258.4(PRKG1):c.592+37G>A

Gene: PRKG1 (protein kinase cGMP-dependent 1; plus strand). Cytogenetic location: 10q21.1.
Variant type: single nucleotide variant.
Coding change: c.592+37G>A on transcript NM_006258.4 (MANE Select); 37 bases into the intron after coding-DNA position 592, G replaced by A.
Molecular consequence: intron variant.
Genome position (GRCh38, 1-based): chr10:51,467,873, G>A. VCF-style: chr10-51467873-G-A. GRCh37 (hg19) VCF-style: chr10-53227633-G-A.
Other names: c.547+37G>A (NM_001098512.3).
Identifiers: ClinVar variation 679819 (VCV000679819.2), dbSNP rs140578998, ClinGen allele CA5503184.